The following is an entry in ClinVar:

NM_001164508.2(NEB):c.16839dup (p.Lys5614Ter)

Gene: NEB (nebulin; minus strand). Cytogenetic location: 2q23.3.
Variant type: Duplication.
Coding change: c.16839dup on transcript NM_001164508.2 (MANE Select); coding-DNA position 16839, one base duplicated (T; older notation c.16839dupT).
Protein change: p.Lys5614Ter; replaces lysine 5614 with a stop codon.
Molecular consequence: nonsense.
Genome position (GRCh38, 1-based): chr2:151,576,220, A duplicated on the plus strand (T on the coding strand, the reverse complement: NEB is on the minus strand); the first of 2 consecutive A bases (chr2:151,576,220-151,576,221); duplicating either gives the same sequence. VCF-style (leftmost placement, unchanged base first): chr2-151576219-T-TA. GRCh37 (hg19) VCF-style: chr2-152432733-T-TA.
Other names: NM_001164508.2(NEB):c.16839dup; p.Lys5614Ter; c.16839dup, p.Lys5614Ter (NM_001164507.2, NM_001271208.2); c.11736dup, p.Lys3913Ter (NM_004543.5); short protein forms K3913*, K5614*.
Identifiers: ClinVar variation 2432135 (VCV002432135.4), dbSNP rs2096823537, ClinGen allele CA1037871057.

ClinVar aggregate classification (germline): Likely pathogenic. Review status: criteria provided, multiple submitters, no conflicts (2 of 4 stars). 2 submissions from 2 submitters: Likely pathogenic (2). Last evaluated 2025-03-11.

Conditions:
Nemaline myopathy. Also called: Myopathies, Nemaline. Identifiers: Orphanet 607, MedGen C0206157, MONDO:0018958.

Submissions (2):

Broad Center for Mendelian Genomics, Broad Institute of MIT and Harvard
Classification: Likely pathogenic for Nemaline myopathy. Last evaluated: 2025-03-11. Review status: criteria provided, single submitter. Criteria: ACMG Guidelines, 2015. Collection method: curation. Allele origin: germline. Inheritance: Autosomal recessive inheritance.
Comment: The p.Lys5614Ter variant in NEB has not been previously reported in the literature in individuals with nemaline myopathy, but has been identified in 0.001% (1/74822) of African/African American chromosomes by the Genome Aggregation Database (gnomAD; dbSNP ID: rs2096823537). Although this variant has been seen in the general population in a heterozygous state, its frequency is low enough to be consistent with a recessive carrier frequency. This variant has also been reported in ClinVar (Variation ID: 2432135) and has been interpreted as pathogenic by Revvity Omics. This nonsense variant leads to a premature termination codon at position 5614, which is predicted to lead to a truncated or absent protein. Loss of function of the NEB gene is an established disease mechanism in autosomal recessive nemaline myopathy. In summary, although additional studies are required to fully establish its clinical significance, this variant is likely pathogenic for autosomal recessive nemaline myopathy. ACMG/AMP Criteria applied: PVS1, PM2_supporting (Richards 2015).

Revvity Omics, Revvity
Classification: Likely pathogenic. Last evaluated: 2022-04-02. Review status: criteria provided, single submitter. Criteria: ACMG Guidelines, 2015. Collection method: clinical testing. Allele origin: germline.